The following is an entry in ClinVar:

NM_000095.3(COMP):c.1258G>T (p.Asp420Tyr)

Gene: COMP (cartilage oligomeric matrix protein; minus strand). Cytogenetic location: 19p13.11.
Variant type: single nucleotide variant.
Coding change: c.1258G>T on transcript NM_000095.3 (MANE Select); coding-DNA position 1258, G replaced by T.
Protein change: p.Asp420Tyr; replaces aspartic acid 420 with tyrosine.
Molecular consequence: missense variant.
Genome position (GRCh38, 1-based): chr19:18,786,288, C>A on the plus strand (G>T on the coding strand, the complement: COMP is on the minus strand). VCF-style: chr19-18786288-C-A. GRCh37 (hg19) VCF-style: chr19-18897098-C-A.
Other names: short protein forms D420Y.
Identifiers: ClinVar variation 2021953 (VCV002021953.4), dbSNP rs2512847912, ClinGen allele CA404886044.

ClinVar aggregate classification (germline): Uncertain significance (1 of 4 stars; one submission).

Submission:

Labcorp Genetics (formerly Invitae), Labcorp
Classification: Uncertain significance. Last evaluated: 2025-05-15. Review status: criteria provided, single submitter. Criteria: Invitae Variant Classification Sherloc (09022015). Collection method: clinical testing. Allele origin: germline.
Comment: This sequence change replaces aspartic acid, which is acidic and polar, with tyrosine, which is neutral and polar, at codon 420 of the COMP protein (p.Asp420Tyr). This variant is not present in population databases (gnomAD no frequency). This missense change has been observed in individual(s) with clinical features of COMP-related conditions (internal data). ClinVar contains an entry for this variant (Variation ID: 2021953). Invitae Evidence Modeling of protein sequence and biophysical properties (such as structural, functional, and spatial information, amino acid conservation, physicochemical variation, residue mobility, and thermodynamic stability) indicates that this missense variant is expected to disrupt COMP protein function with a positive predictive value of 80%. This variant disrupts the p.Asp420 amino acid residue in COMP. Other variant(s) that disrupt this residue have been observed in individuals with COMP-related conditions (PMID: 11565064; internal data), which suggests that this may be a clinically significant amino acid residue. In summary, the available evidence is currently insufficient to determine the role of this variant in disease. Therefore, it has been classified as a Variant of Uncertain Significance.

Literature cited by the submitters: PubMed 11565064.